The following is an entry in ClinVar:

ClinVar aggregate classification (germline): Uncertain significance (1 of 4 stars; one submission).

Conditions:
Joubert syndrome. Also called: CEREBELLOPARENCHYMAL DISORDER IV; JOUBERT-BOLTSHAUSER SYNDROME; Familial aplasia of the vermis. Identifiers: Orphanet 475, MedGen C5979921, MONDO:0018772.
Meckel-Gruber syndrome. Also called: DYSENCEPHALIA SPLANCHNOCYSTICA; GRUBER SYNDROME; Dysencephalia splachnocystica. Identifiers: Orphanet 564, MedGen C0265215, MONDO:0018921.

Submission:

Labcorp Genetics (formerly Invitae), Labcorp
Classification: Uncertain significance for Joubert syndrome; Meckel-Gruber syndrome. Last evaluated: 2022-09-13. Review status: criteria provided, single submitter. Criteria: Invitae Variant Classification Sherloc (09022015). Collection method: clinical testing. Allele origin: germline.
Comment: This sequence change replaces alanine, which is neutral and non-polar, with lysine, which is basic and polar, at codon 695 of the RPGRIP1L protein (p.Ala695Lys). This variant is present in population databases (no rsID available, gnomAD 0.2%). This variant has not been reported in the literature in individuals affected with RPGRIP1L-related conditions. Algorithms developed to predict the effect of missense changes on protein structure and function are either unavailable or do not agree on the potential impact of this missense change (SIFT: "Not Available"; PolyPhen-2: "Possibly Damaging"; Align-GVGD: "Not Available"). In summary, the available evidence is currently insufficient to determine the role of this variant in disease. Therefore, it has been classified as a Variant of Uncertain Significance.

NM_015272.5(RPGRIP1L):c.2083_2084delinsAA (p.Ala695Lys)

Gene: RPGRIP1L (RPGRIP1 like; minus strand). Cytogenetic location: 16q12.2.
Variant type: Indel.
Coding change: c.2083_2084delinsAA on transcript NM_015272.5 (MANE Select); coding-DNA positions 2083 to 2084, GC replaced by AA.
Protein change: p.Ala695Lys; replaces alanine 695 with lysine.
Molecular consequence: missense variant.
Genome position (GRCh38, 1-based): chr16:53,652,603-53,652,604, GC replaced by TT on the plus strand (GC replaced by AA on the coding strand, the reverse complement: RPGRIP1L is on the minus strand). VCF-style: chr16-53652603-GC-TT. GRCh37 (hg19) VCF-style: chr16-53686515-GC-TT.
Other names: c.2083_2084delinsAA, p.Ala695Lys (NM_001127897.4, NM_001308334.3, NM_001330538.2); short protein forms A695K.
Identifiers: ClinVar variation 1965869 (VCV001965869.2), dbSNP rs2544203696, ClinGen allele CA2580091682.